The following is an entry in ClinVar:

ClinVar aggregate classification (germline): Uncertain significance. Review status: criteria provided, multiple submitters, no conflicts (2 of 4 stars). 2 submissions from 2 submitters: Uncertain significance (2). Last evaluated 2025-12-30.

Conditions:
Cone-rod dystrophy 6 (CORD6). Also called: RETINAL CONE DYSTROPHY 2; Cone dystrophy progressive. Identifiers: Orphanet 1872, MedGen C1866293, MONDO:0011143, OMIM 601777.
Leber congenital amaurosis 1 (LCA1). Also called: Congenital absence of the rods and cones; Leber's congenital tapetoretinal degeneration; Leber's congenital tapetoretinal dysplasia; RETINAL BLINDNESS, CONGENITAL; AMAUROSIS CONGENITA OF LEBER I. Identifiers: Orphanet 65, MedGen C2931258, MONDO:0008764, OMIM 204000.

Allele frequency attached by ClinVar (database versions not stated): gnomAD 0.00001; TOPMed 0.00003; gnomAD exomes 0.00004.
gnomAD v4.1: 22 of 592,396 alleles (0.0037%); highest among the groups gnomAD compares: East Asian, 0.046%; no homozygotes.

Submissions (2):

Labcorp Genetics (formerly Invitae), Labcorp
Classification: Uncertain significance for Leber congenital amaurosis 1; Cone-rod dystrophy 6. Last evaluated: 2025-12-30. Review status: criteria provided, single submitter. Criteria: Invitae Variant Classification Sherloc (09022015). Collection method: clinical testing. Allele origin: germline.
Comment: This sequence change replaces proline, which is neutral and non-polar, with leucine, which is neutral and non-polar, at codon 859 of the GUCY2D protein (p.Pro859Leu). This variant is present in population databases (rs374515716, gnomAD 0.02%). This missense change has been observed in individual(s) with inherited retinal dystrophy (PMID: 26047050, 31630094). In at least one individual the data is consistent with being in trans (on the opposite chromosome) from a pathogenic variant. ClinVar contains an entry for this variant (Variation ID: 956847). An algorithm developed to predict the effect of missense changes on protein structure and function (PolyPhen-2) suggests that this variant is likely to be disruptive. In summary, the available evidence is currently insufficient to determine the role of this variant in disease. Therefore, it has been classified as a Variant of Uncertain Significance.

Blueprint Genetics
Classification: Uncertain significance. Last evaluated: 2020-07-29. Review status: criteria provided, single submitter. Criteria: ACMG Guidelines, 2015. Collection method: clinical testing. Allele origin: germline.

Literature cited by the submitters: PubMed 26047050 (cited by Labcorp Genetics (formerly Invitae), Labcorp); PubMed 31630094 (cited by Labcorp Genetics (formerly Invitae), Labcorp).

NM_000180.4(GUCY2D):c.2576C>T (p.Pro859Leu)

Gene: GUCY2D (guanylate cyclase 2D, retinal; plus strand). Cytogenetic location: 17p13.1.
Variant type: single nucleotide variant.
Coding change: c.2576C>T on transcript NM_000180.4 (MANE Select); coding-DNA position 2576, C replaced by T.
Protein change: p.Pro859Leu; replaces proline 859 with leucine.
Molecular consequence: missense variant.
Genome position (GRCh38, 1-based): chr17:8,014,764, C>T. VCF-style: chr17-8014764-C-T. GRCh37 (hg19) VCF-style: chr17-7918082-C-T.
Other names: short protein forms P859L.
Identifiers: ClinVar variation 956847 (VCV000956847.8), dbSNP rs374515716, ClinGen allele CA8366156.
Genomic context (GRCh38, chr17:8,014,764, plus strand): 5'-CGGAGGAGCTGGAGCTGGAAAAGCAGAAGACAGACCGGCTGCTTACACAGATGCTGCCTC[C>T]GTGGGTGCCAGTGGGAAGGGGTGGGCTGGGAGGGCAGCTGGAGCCCAGCCAGGTAGAGTG-3'
Protein context (NP_000171.1, residues 849-869): TDRLLTQMLP[Pro859Leu]SVAEALKTGT